The following is an entry in ClinVar:

NM_152383.5(DIS3L2):c.953A>C (p.Gln318Pro)

Gene: DIS3L2 (DIS3 like 3'-5' exoribonuclease 2; plus strand). Cytogenetic location: 2q37.1.
Variant type: single nucleotide variant.
Coding change: c.953A>C on transcript NM_152383.5 (MANE Select); coding-DNA position 953, A replaced by C.
Protein change: p.Gln318Pro; replaces glutamine 318 with proline.
Molecular consequence: missense variant. On other transcripts: non-coding transcript variant (2).
Genome position (GRCh38, 1-based): chr2:232,163,461, A>C. VCF-style: chr2-232163461-A-C. GRCh37 (hg19) VCF-style: chr2-233028171-A-C.
Other names: c.953A>C, p.Gln318Pro (NM_001257281.2); short protein forms Q318P.
Identifiers: ClinVar variation 1475395 (VCV001475395.6), dbSNP rs1060503038, ClinGen allele CA351154160.
Genomic context (GRCh38, chr2:232,163,461, plus strand): 5'-GGTACCTATGTTCCATTTGTTTGCTAACCCAGTTATTCCGTTTCTGTTCTATCCATAGGC[A>C]GCTGGCTAAGAGTCTTGGGCAGGCTGGTGAAATTGAGCCTGAAACAGAAGGAATACTAAC-3'
Protein context (NP_689596.4, residues 308-328): WKEDCNFALG[Gln318Pro]LAKSLGQAGE

ClinVar aggregate classification (germline): Uncertain significance (1 of 4 stars; one submission).

Conditions:
Perlman syndrome (PRLMNS). Identifiers: Orphanet 2849, MedGen C0796113, MONDO:0009965, OMIM 267000.

Submission:

Labcorp Genetics (formerly Invitae), Labcorp
Classification: Uncertain significance for Perlman syndrome. Last evaluated: 2021-09-15. Review status: criteria provided, single submitter. Criteria: Invitae Variant Classification Sherloc (09022015). Collection method: clinical testing. Allele origin: germline.
Comment: This sequence change replaces glutamine with proline at codon 318 of the DIS3L2 protein (p.Gln318Pro). The glutamine residue is weakly conserved and there is a moderate physicochemical difference between glutamine and proline. This variant is not present in population databases (ExAC no frequency). In summary, the available evidence is currently insufficient to determine the role of this variant in disease. Therefore, it has been classified as a Variant of Uncertain Significance. Algorithms developed to predict the effect of missense changes on protein structure and function (SIFT, PolyPhen-2, Align-GVGD) all suggest that this variant is likely to be tolerated. This variant has not been reported in the literature in individuals affected with DIS3L2-related conditions.